The following is an entry in ClinVar:

NM_001609.3(ACADSB):c.-107G>A

Gene: ACADSB (acyl-CoA dehydrogenase short/branched chain; plus strand). Cytogenetic location: 10q26.13.
Variant type: single nucleotide variant.
Coding change: c.-107G>A on transcript NM_001609.3; 107 bases upstream of the start codon, G replaced by A.
Genome position (GRCh38, 1-based): chr10:123,008,923, G>A. VCF-style: chr10-123008923-G-A. GRCh37 (hg19) VCF-style: chr10-124768439-G-A.
Identifiers: ClinVar variation 299061 (VCV000299061.8), dbSNP rs190149746, ClinGen allele CA10628144.

ClinVar aggregate classification (germline): Benign. Review status: criteria provided, multiple submitters, no conflicts (2 of 4 stars). 2 submissions from 2 submitters: Benign (2). Last evaluated 2018-01-13.

Conditions:
Deficiency of 2-methylbutyryl-CoA dehydrogenase (ACADSB). Also called: 2-methylbutyryl-CoA dehydrogenase deficiency; SBCAD deficiency; 2-methylbutyric aciduria; Short branched-chain acyl-CoA dehydrogenase deficiency; 2-methylbutyrylglycinuria. Identifiers: Orphanet 79157, MedGen C1864912, MONDO:0012392, OMIM 610006, HP:0020147.

Allele frequency attached by ClinVar (database versions not stated): 1000 Genomes Project 0.00899; 1000 Genomes Project 30x 0.01015; TOPMed 0.00334.

Submissions (2):

Illumina Laboratory Services, Illumina
Classification: Benign for Deficiency of 2-methylbutyryl-CoA dehydrogenase. Last evaluated: 2018-01-13. Review status: criteria provided, single submitter. Criteria: ICSL Variant Classification Criteria 13 December 2019. Collection method: clinical testing. Allele origin: germline.
Comment: This variant was observed in the ICSL laboratory as part of a predisposition screen in an ostensibly healthy population. It had not been previously curated by ICSL or reported in the Human Gene Mutation Database (HGMD: prior to June 1st, 2018), and was therefore a candidate for classification through an automated scoring system. Utilizing variant allele frequency, disease prevalence and penetrance estimates, and inheritance mode, an automated score was calculated to assess if this variant is too frequent to cause the disease. Based on the score and internal cut-off values, a variant classified as benign is not then subjected to further curation. The score for this variant resulted in a classification of benign for this disease.

Breakthrough Genomics
Classification: Benign. Review status: criteria provided, single submitter. Criteria: ACMG Guidelines, 2015. Collection method: not provided. Allele origin: germline. Inheritance: Autosomal recessive inheritance. Affected: yes.